The following is an entry in ClinVar:

NM_032806.6(POMGNT2):c.844G>A (p.Val282Ile)

Gene: POMGNT2 (protein O-linked mannose N-acetylglucosaminyltransferase 2 (beta 1,4-); minus strand). Cytogenetic location: 3p22.1.
Variant type: single nucleotide variant.
Coding change: c.844G>A on transcript NM_032806.6 (MANE Select); coding-DNA position 844, G replaced by A.
Protein change: p.Val282Ile; replaces valine 282 with isoleucine.
Molecular consequence: missense variant.
Genome position (GRCh38, 1-based): chr3:43,080,588, C>T on the plus strand (G>A on the coding strand, the complement: POMGNT2 is on the minus strand). VCF-style: chr3-43080588-C-T. GRCh37 (hg19) VCF-style: chr3-43122080-C-T.
Other names: c.844G>A (NM_032806.4); short protein forms V282I.
Identifiers: ClinVar variation 1350587 (VCV001350587.4), dbSNP rs2089841975, ClinGen allele CA352302385.

ClinVar aggregate classification (germline): Uncertain significance. Review status: criteria provided, multiple submitters, no conflicts (2 of 4 stars). 2 submissions from 2 submitters: Uncertain significance (2). Last evaluated 2023-05-30.

Conditions:
Inborn genetic diseases. Identifiers: MedGen C0950123, MeSH D030342.
Muscular dystrophy-dystroglycanopathy (congenital with brain and eye anomalies), type a, 8 (MDDGA8). Also called: WALKER-WARBURG SYNDROME OR MUSCLE-EYE-BRAIN DISEASE, GTDC2-RELATED. Identifiers: Orphanet 899, MedGen C3553813, MONDO:0013904, OMIM 614830.

Allele frequency attached by ClinVar (database versions not stated): gnomAD exomes below 0.00001; TOPMed below 0.00001.
gnomAD v4.1: 4 of 1,614,238 alleles (0.00025%); highest among the groups gnomAD compares: Non-Finnish European, 0.00034%; no homozygotes.

Submissions (2):

Ambry Genetics
Classification: Uncertain significance for Inborn genetic diseases. Last evaluated: 2023-05-30. Review status: criteria provided, single submitter. Criteria: Ambry Variant Classification Scheme 2023. Collection method: clinical testing. Allele origin: germline.

Labcorp Genetics (formerly Invitae), Labcorp
Classification: Uncertain significance for Muscular dystrophy-dystroglycanopathy (congenital with brain and eye anomalies), type a, 8. Last evaluated: 2022-08-15. Review status: criteria provided, single submitter. Criteria: Invitae Variant Classification Sherloc (09022015). Collection method: clinical testing. Allele origin: germline.
Comment: This sequence change replaces valine, which is neutral and non-polar, with isoleucine, which is neutral and non-polar, at codon 282 of the POMGNT2 protein (p.Val282Ile). This variant is not present in population databases (gnomAD no frequency). This variant has not been reported in the literature in individuals affected with POMGNT2-related conditions. ClinVar contains an entry for this variant (Variation ID: 1350587). Algorithms developed to predict the effect of missense changes on protein structure and function (SIFT, PolyPhen-2, Align-GVGD) all suggest that this variant is likely to be tolerated. In summary, the available evidence is currently insufficient to determine the role of this variant in disease. Therefore, it has been classified as a Variant of Uncertain Significance.